The following is an entry in ClinVar:

ClinVar aggregate classification (germline): Uncertain significance (1 of 4 stars; one submission).

Submission:

Labcorp Genetics (formerly Invitae), Labcorp
Classification: Uncertain significance. Last evaluated: 2022-08-16. Review status: criteria provided, single submitter. Criteria: Invitae Variant Classification Sherloc (09022015). Collection method: clinical testing. Allele origin: germline.
Comment: ClinVar contains an entry for this variant (Variation ID: 1468842). This sequence change replaces leucine, which is neutral and non-polar, with valine, which is neutral and non-polar, at codon 1048 of the RIMS1 protein (p.Leu1048Val). This variant is not present in population databases (gnomAD no frequency). This variant has not been reported in the literature in individuals affected with RIMS1-related conditions. Algorithms developed to predict the effect of missense changes on protein structure and function are either unavailable or do not agree on the potential impact of this missense change (SIFT: "Deleterious"; PolyPhen-2: "Probably Damaging"; Align-GVGD: "Class C0"). In summary, the available evidence is currently insufficient to determine the role of this variant in disease. Therefore, it has been classified as a Variant of Uncertain Significance.

NM_014989.7(RIMS1):c.3142T>G (p.Leu1048Val)

Gene: RIMS1 (regulating synaptic membrane exocytosis 1; plus strand). Cytogenetic location: 6q13.
Variant type: single nucleotide variant.
Coding change: c.3142T>G on transcript NM_014989.7 (MANE Select); coding-DNA position 3142, T replaced by G.
Protein change: p.Leu1048Val; replaces leucine 1048 with valine.
Molecular consequence: missense variant. On other transcripts: intron variant (58).
Genome position (GRCh38, 1-based): chr6:72,265,000, T>G. VCF-style: chr6-72265000-T-G. GRCh37 (hg19) VCF-style: chr6-72974703-T-G.
Other names: c.1561T>G, p.Leu521Val (NM_001350418.2, NM_001350434.2, NM_001350436.2); c.1564T>G, p.Leu522Val (NM_001350458.2); c.1519T>G, p.Leu507Val (NM_001350470.2); c.1470-960T>G (NM_001350428.2, NM_001350459.2, NM_001350424.2 and 1 more transcripts); c.1467-960T>G (NM_001350437.2, NM_001350430.2, NM_001350421.2 and 1 more transcripts); c.1539-960T>G (NM_001350433.2, NM_001350446.2, NM_001350442.2 and 8 more transcripts); c.1538+4233T>G (NM_001350431.2); c.1476-960T>G (NM_001350457.2); and 13 more; short protein forms L521V, L1048V, L507V, L522V.
Identifiers: ClinVar variation 1468842 (VCV001468842.8), dbSNP rs2154172898, ClinGen allele CA364685220.
Genomic context (GRCh38, chr6:72,265,000, plus strand): 5'-TCTGTTTCCTGCGTGTTTGTGTTGCTACGTTCCAGACATCTTGTTAGGCACTATAAAACA[T>G]TACCTCCCAAGATGCCTTTATTACAGAGCAGTTCTCACTGGAATATTTACAGGTAAGAGC-3'
Protein context (NP_055804.2, residues 1038-1058): TRHLVRHYKT[Leu1048Val]PPKMPLLQSS